The following is an entry in ClinVar:

ClinVar aggregate classification (germline): Likely benign (1 of 4 stars; one submission).

Allele frequency attached by ClinVar (database versions not stated): 1000 Genomes Project 30x 0.00156; TOPMed 0.00156; 1000 Genomes Project 0.00180; gnomAD 0.00308 and 0.00321.
gnomAD v4.1: 462 of 152,232 alleles (0.3%); highest among the groups gnomAD compares: Non-Finnish European, 0.31%; 6 homozygotes.

Submission:

GeneDx
Classification: Likely benign. Last evaluated: 2018-06-14. Review status: criteria provided, single submitter. Criteria: GeneDx Variant Classification (06012015). Collection method: clinical testing. Allele origin: germline. Affected: yes.
Comment: This variant is considered likely benign or benign based on one or more of the following criteria: it is a conservative change, it occurs at a poorly conserved position in the protein, it is predicted to be benign by multiple in silico algorithms, and/or has population frequency not consistent with disease.

NM_000143.4(FH):c.739-240G>A

Gene: FH (fumarate hydratase; minus strand). Cytogenetic location: 1q43.
Variant type: single nucleotide variant.
Coding change: c.739-240G>A on transcript NM_000143.4 (MANE Select); 240 bases into the intron before coding-DNA position 739, G replaced by A.
Molecular consequence: intron variant.
Genome position (GRCh38, 1-based): chr1:241,506,408, C>T on the plus strand (G>A on the coding strand, the complement: FH is on the minus strand). VCF-style: chr1-241506408-C-T. GRCh37 (hg19) VCF-style: chr1-241669708-C-T.
Identifiers: ClinVar variation 680078 (VCV000680078.1), dbSNP rs191906371, ClinGen allele CA40328428.